The following is an entry in ClinVar:

ClinVar aggregate classification (germline): Uncertain significance. Review status: criteria provided, multiple submitters, no conflicts (2 of 4 stars). 2 submissions from 2 submitters: Uncertain significance (2). Last evaluated 2025-02-11.

Allele frequency attached by ClinVar (database versions not stated): gnomAD 0.00001; gnomAD exomes 0.00001; TOPMed 0.00001; ExAC 0.00003.
gnomAD v4.1: 8 of 1,611,924 alleles (0.0005%); highest among the groups gnomAD compares: East Asian, 0.0045%; no homozygotes.

Submissions (2):

Ambry Genetics
Classification: Uncertain significance. Last evaluated: 2025-02-11. Review status: criteria provided, single submitter. Criteria: Ambry Variant Classification Scheme 2023. Collection method: clinical testing. Allele origin: germline.

Labcorp Genetics (formerly Invitae), Labcorp
Classification: Uncertain significance. Last evaluated: 2022-06-13. Review status: criteria provided, single submitter. Criteria: Invitae Variant Classification Sherloc (09022015). Collection method: clinical testing. Allele origin: germline.
Comment: In summary, the available evidence is currently insufficient to determine the role of this variant in disease. Therefore, it has been classified as a Variant of Uncertain Significance. Algorithms developed to predict the effect of missense changes on protein structure and function are either unavailable or do not agree on the potential impact of this missense change (SIFT: "Not Available"; PolyPhen-2: "Possibly Damaging"; Align-GVGD: "Not Available"). This variant has not been reported in the literature in individuals affected with CEP250-related conditions. This variant is present in population databases (rs756392151, gnomAD 0.003%). This sequence change replaces arginine, which is basic and polar, with tryptophan, which is neutral and slightly polar, at codon 1946 of the CEP250 protein (p.Arg1946Trp).

NM_007186.6(CEP250):c.5836C>T (p.Arg1946Trp)

Gene: CEP250 (centrosomal protein 250; plus strand). Cytogenetic location: 20q11.22.
Variant type: single nucleotide variant.
Coding change: c.5836C>T on transcript NM_007186.6 (MANE Select); coding-DNA position 5836, C replaced by T.
Protein change: p.Arg1946Trp; replaces arginine 1946 with tryptophan.
Molecular consequence: missense variant.
Genome position (GRCh38, 1-based): chr20:35,504,205, C>T. VCF-style: chr20-35504205-C-T. GRCh37 (hg19) VCF-style: chr20-34092033-C-T.
Other names: c.3940C>T, p.Arg1314Trp (NM_001318219.1); c.5836C>T (NM_007186.3); short protein forms R1314W, R1946W.
Identifiers: ClinVar variation 1435856 (VCV001435856.10), dbSNP rs756392151, ClinGen allele CA9833941.